The following is an entry in ClinVar:

NM_000246.4(CIITA):c.1740C>G (p.Arg580=)

Gene: CIITA (class II major histocompatibility complex transactivator; plus strand). Cytogenetic location: 16p13.13.
Variant type: single nucleotide variant.
Coding change: c.1740C>G on transcript NM_000246.4 (MANE Select); coding-DNA position 1740, C replaced by G.
Protein change: p.Arg580=; no amino-acid change (arginine 580 retained).
Molecular consequence: synonymous variant. On other transcripts: intron variant (1).
Genome position (GRCh38, 1-based): chr16:10,907,232, C>G. VCF-style: chr16-10907232-C-G. GRCh37 (hg19) VCF-style: chr16-11001089-C-G.
Other names: c.1743C>G, p.Arg581= (NM_001286402.1, NM_001379332.1); c.1596C>G, p.Arg532= (NM_001379330.1); c.1593C>G, p.Arg531= (NM_001379331.1); c.1740C>G, p.Arg580= (NM_001379333.1); c.1671C>G, p.Arg557= (NM_001379334.1); c.860-1751C>G (NM_001286403.2).
Identifiers: ClinVar variation 760691 (VCV000760691.19), dbSNP rs78666334, ClinGen allele CA7900212.

ClinVar aggregate classification (germline): Benign/Likely benign. Review status: criteria provided, multiple submitters, no conflicts (2 of 4 stars). 5 submissions from 5 submitters: Benign (2); Likely benign (1). 2 of the submissions do not count toward it. Last evaluated 2026-02-04.

Conditions:
CIITA-related disorder. Also called: CIITA-related condition.
MHC class II deficiency. Also called: BLS, TYPE II; Bare lymphocyte syndrome 2. Identifiers: Orphanet 572, MedGen C5447452, MONDO:0008855.

Allele frequency attached by ClinVar (database versions not stated): gnomAD exomes 0.00006 and 0.00017; ExAC 0.00017; 1000 Genomes Project 30x 0.00031; 1000 Genomes Project 0.00040; gnomAD 0.00062 and 0.00070; TOPMed 0.00069; ESP Exome Variant Server 0.00100.
gnomAD v4.1: 183 of 1,613,528 alleles (0.011%); highest among the groups gnomAD compares: African/African-American, 0.22%; no homozygotes.

Submissions (5):

Labcorp Genetics (formerly Invitae), Labcorp
Classification: Benign for MHC class II deficiency. Last evaluated: 2026-02-04. Review status: criteria provided, single submitter. Criteria: Invitae Variant Classification Sherloc (09022015). Collection method: clinical testing. Allele origin: germline.

Blueprint Genetics
Classification: Likely benign. Last evaluated: 2023-08-17. Review status: criteria provided, single submitter. Criteria: ACMG Guidelines, 2015. Collection method: clinical testing. Allele origin: germline.

Breakthrough Genomics
Classification: Benign. Review status: criteria provided, single submitter. Criteria: ACMG Guidelines, 2015. Collection method: not provided. Allele origin: germline. Inheritance: Autosomal recessive inheritance. Affected: yes.

PreventionGenetics, part of Exact Sciences
Classification: Likely benign for CIITA-related condition. Last evaluated: 2024-02-20. Review status: no assertion criteria provided. Collection method: clinical testing. Allele origin: germline. Not counted in ClinVar's aggregate classification.
Comment: This variant is classified as likely benign based on ACMG/AMP sequence variant interpretation guidelines (Richards et al. 2015 PMID: 25741868, with internal and published modifications).

Natera, Inc.
Classification: Likely benign for Bare lymphocyte syndrome type II. Last evaluated: 2019-10-23. Review status: no assertion criteria provided. Collection method: clinical testing. Allele origin: germline. Not counted in ClinVar's aggregate classification.